The following is an entry in ClinVar:

ClinVar aggregate classification (germline): Likely benign (1 of 4 stars; one submission).

gnomAD v4.1: 27 of 1,612,762 alleles (0.0017%); highest among the groups gnomAD compares: South Asian, 0.0033%; no homozygotes.

Submission:

Mayo Clinic Laboratories, Mayo Clinic
Classification: Likely benign. Last evaluated: 2025-02-14. Review status: criteria provided, single submitter. Criteria: ACMG Guidelines, 2015. Collection method: clinical testing. Allele origin: germline. Observed: 1 variant allele.
Comment: BP4, BP7

NM_002226.5(JAG2):c.2643C>T (p.His881=)

Gene: JAG2 (jagged canonical Notch ligand 2; minus strand). Cytogenetic location: 14q32.33.
Variant type: single nucleotide variant.
Coding change: c.2643C>T on transcript NM_002226.5 (MANE Select); coding-DNA position 2643, C replaced by T.
Protein change: p.His881=; no amino-acid change (histidine 881 retained).
Molecular consequence: synonymous variant.
Genome position (GRCh38, 1-based): chr14:105,146,451, G>A on the plus strand (C>T on the coding strand, the complement: JAG2 is on the minus strand). VCF-style: chr14-105146451-G-A. GRCh37 (hg19) VCF-style: chr14-105612788-G-A.
Other names: p.His881=; c.2529C>T, p.His843= (NM_145159.3).
Identifiers: ClinVar variation 4683948 (VCV004683948.1).